The following is an entry in ClinVar:

ClinVar aggregate classification (germline): Uncertain significance (1 of 4 stars; one submission).

Conditions:
Developmental and epileptic encephalopathy, 32 (DEE32). Also called: Epileptic encephalopathy, early infantile, 32. Identifiers: Orphanet 442835, MedGen C4225350, MONDO:0014607, OMIM 616366.

Submission:

Labcorp Genetics (formerly Invitae), Labcorp
Classification: Uncertain significance for Developmental and epileptic encephalopathy, 32. Last evaluated: 2022-08-12. Review status: criteria provided, single submitter. Criteria: Invitae Variant Classification Sherloc (09022015). Collection method: clinical testing. Allele origin: germline.
Comment: In summary, the available evidence is currently insufficient to determine the role of this variant in disease. Therefore, it has been classified as a Variant of Uncertain Significance. Experimental studies and prediction algorithms are not available or were not evaluated, and the functional significance of this variant is currently unknown. This variant has not been reported in the literature in individuals affected with KCNA2-related conditions. This variant is not present in population databases (gnomAD no frequency). This sequence change creates a premature translational stop signal (p.Glu273Argfs*4) in the KCNA2 gene. While this is not anticipated to result in nonsense mediated decay, it is expected to disrupt the last 227 amino acid(s) of the KCNA2 protein.

NM_004974.4(KCNA2):c.815dup (p.Glu273fs)

Gene: KCNA2 (potassium voltage-gated channel subfamily A member 2; minus strand). Cytogenetic location: 1p13.3.
Variant type: Duplication.
Coding change: c.815dup on transcript NM_004974.4 (MANE Select); coding-DNA position 815, one base duplicated (C; older notation c.815dupC).
Protein change: p.Glu273fs; shifts the reading frame from glutamic acid 273.
Molecular consequence: frameshift variant.
Genome position (GRCh38, 1-based): chr1:110,603,968, G duplicated on the plus strand (C on the coding strand, the reverse complement: KCNA2 is on the minus strand). VCF-style (leftmost placement, unchanged base first): chr1-110603967-T-TG. GRCh37 (hg19) VCF-style: chr1-111146589-T-TG.
Other names: c.815dup, p.Glu273fs (NM_001204269.2); short protein forms E273fs.
Identifiers: ClinVar variation 2023821 (VCV002023821.4), dbSNP rs2524618614, ClinGen allele CA2580060808.
Genomic context (GRCh38, chr1:110,603,967, plus strand): 5'-GATGGCCAGTGACATGGCCTGCTGGCCTTGCTGAGCGTCCTCTGGCTTCTCAGCCAACTC[T>TG]GTCCCCAGGGTGATGAAGTAGGGGATGATGGCCACAATGTCAATGATGTTCATGATGTTG-3'